The following is an entry in ClinVar:

ClinVar aggregate classification (germline): Uncertain significance (1 of 4 stars; one submission).

Conditions:
Fanconi anemia (FA). Also called: Fanconi's anemia. Identifiers: Orphanet 84, MedGen C0015625, MeSH D005199, MONDO:0019391.

gnomAD v4.1: 15 of 1,606,806 alleles (0.00093%); highest among the groups gnomAD compares: Non-Finnish European, 0.0013%; no homozygotes.

Submission:

Labcorp Genetics (formerly Invitae), Labcorp
Classification: Uncertain significance for Fanconi anemia. Last evaluated: 2024-11-09. Review status: criteria provided, single submitter. Criteria: Invitae Variant Classification Sherloc (09022015). Collection method: clinical testing. Allele origin: germline.
Comment: This sequence change replaces lysine, which is basic and polar, with asparagine, which is neutral and polar, at codon 828 of the FANCD2 protein (p.Lys828Asn). The frequency data for this variant in the population databases is considered unreliable, as metrics indicate poor data quality at this position in the gnomAD database. This variant has not been reported in the literature in individuals affected with FANCD2-related conditions. ClinVar contains an entry for this variant (Variation ID: 2184983). Invitae Evidence Modeling of protein sequence and biophysical properties (such as structural, functional, and spatial information, amino acid conservation, physicochemical variation, residue mobility, and thermodynamic stability) indicates that this missense variant is expected to disrupt FANCD2 protein function with a positive predictive value of 80%. In summary, the available evidence is currently insufficient to determine the role of this variant in disease. Therefore, it has been classified as a Variant of Uncertain Significance.

NM_001018115.3(FANCD2):c.2484G>C (p.Lys828Asn)

Genes: FANCD2 (FA complementation group D2; plus strand), LOC107303338 (3p25 FANCD2 Alu-mediated recombination region; plus strand). Cytogenetic location: 3p25.3.
Variant type: single nucleotide variant.
Coding change: c.2484G>C on transcript NM_001018115.3 (MANE Select); coding-DNA position 2484, G replaced by C.
Protein change: p.Lys828Asn; replaces lysine 828 with asparagine.
Molecular consequence: missense variant.
Genome position (GRCh38, 1-based): chr3:10,067,307, G>C. VCF-style: chr3-10067307-G-C. GRCh37 (hg19) VCF-style: chr3-10108991-G-C.
Other names: c.2484G>C, p.Lys828Asn (NM_001319984.2, NM_001374254.1, NM_033084.6); c.2373G>C, p.Lys791Asn (NM_001374253.1); short protein forms K828N, K791N.
Identifiers: ClinVar variation 2184983 (VCV002184983.4), dbSNP rs55980657, ClinGen allele CA351738551.